The following is an entry in ClinVar:

ClinVar aggregate classification (germline): Uncertain significance (1 of 4 stars; one submission).

Submission:

Labcorp Genetics (formerly Invitae), Labcorp
Classification: Uncertain significance. Last evaluated: 2022-06-17. Review status: criteria provided, single submitter. Criteria: Invitae Variant Classification Sherloc (09022015). Collection method: clinical testing. Allele origin: germline.
Comment: In summary, the available evidence is currently insufficient to determine the role of this variant in disease. Therefore, it has been classified as a Variant of Uncertain Significance. Advanced modeling of protein sequence and biophysical properties (such as structural, functional, and spatial information, amino acid conservation, physicochemical variation, residue mobility, and thermodynamic stability) performed at Invitae indicates that this missense variant is not expected to disrupt COL9A2 protein function. This variant has not been reported in the literature in individuals affected with COL9A2-related conditions. This variant is not present in population databases (gnomAD no frequency). This sequence change replaces proline, which is neutral and non-polar, with threonine, which is neutral and polar, at codon 55 of the COL9A2 protein (p.Pro55Thr).

NM_001852.4(COL9A2):c.163C>A (p.Pro55Thr)

Gene: COL9A2 (collagen type IX alpha 2 chain; minus strand). Cytogenetic location: 1p34.2.
Variant type: single nucleotide variant.
Coding change: c.163C>A on transcript NM_001852.4 (MANE Select); coding-DNA position 163, C replaced by A.
Protein change: p.Pro55Thr; replaces proline 55 with threonine.
Molecular consequence: missense variant.
Genome position (GRCh38, 1-based): chr1:40,314,375, G>T on the plus strand (C>A on the coding strand, the complement: COL9A2 is on the minus strand). VCF-style: chr1-40314375-G-T. GRCh37 (hg19) VCF-style: chr1-40780047-G-T.
Other names: short protein forms P55T.
Identifiers: ClinVar variation 2007777 (VCV002007777.4), dbSNP rs1226804300, ClinGen allele CA339858737.